The following is an entry in ClinVar:

ClinVar aggregate classification (germline): Likely pathogenic (1 of 4 stars; one submission).

Conditions:
Usher syndrome type 1C. Also called: USHER SYNDROME, TYPE I, ACADIAN VARIETY. Identifiers: Orphanet 231169, Orphanet 886, MedGen C1848604, MONDO:0010171, OMIM 276904.

Submission:

Myriad Genetics, Inc.
Classification: Likely pathogenic for Usher syndrome type 1C. Last evaluated: 2022-02-02. Review status: criteria provided, single submitter. Criteria: Myriad Women's Health Autosomal Recessive and X-Linked Classification Criteria (2021). Collection method: clinical testing. Allele origin: unknown.
Comment: NM_005709.3(USH1C):c.1497_1498delGG(D500Rfs*17) is expected to be pathogenic in the context of USH1C-related disorders. This variant is predicted to lead to an abnormal or absent protein product due to the creation of a premature termination codon in USH1C, a gene where loss-of-function variants are known to be pathogenic. Please note: this variant was assessed in the context of healthy population screening.

NM_153676.4(USH1C):c.2397_2398del (p.Asp800fs)

Gene: USH1C (USH1 protein network component harmonin; minus strand). Cytogenetic location: 11p15.1.
Variant type: Deletion.
Coding change: c.2397_2398del on transcript NM_153676.4 (MANE Select); coding-DNA positions 2397 to 2398, 2 bases deleted (GG; older notation c.2397_2398delGG).
Protein change: p.Asp800fs; shifts the reading frame from aspartic acid 800.
Molecular consequence: frameshift variant. On other transcripts: non-coding transcript variant (1).
Genome position (GRCh38, 1-based): chr11:17,498,254-17,498,255, CC deleted on the plus strand (GG on the coding strand, the reverse complement: USH1C is on the minus strand); deleting any 2 consecutive bases within chr11:17,498,254-17,498,257 gives the same sequence; the c. name uses the placement nearest the transcript's 3' end. VCF-style (leftmost placement, unchanged base first): chr11-17498253-TCC-T. GRCh37 (hg19) VCF-style: chr11-17519800-TCC-T.
Other names: c.1440_1441del, p.Asp481fs (NM_001297764.2); c.1497_1498del, p.Asp500fs (NM_005709.4); short protein forms D481fs, D500fs, D800fs.
Identifiers: ClinVar variation 1724257 (VCV001724257.2), dbSNP rs2496983878, ClinGen allele CA2580082885.